The following is an entry in ClinVar:

ClinVar aggregate classification (germline): Uncertain significance (1 of 4 stars; one submission).

Conditions:
Schuurs-Hoeijmakers syndrome. Also called: PACS1-Related Neurodevelopmental Disorder. Identifiers: Orphanet 329224, MedGen C3554343, MONDO:0014006, OMIM 615009.

Submission:

Labcorp Genetics (formerly Invitae), Labcorp
Classification: Uncertain significance for Schuurs-Hoeijmakers syndrome. Last evaluated: 2023-11-08. Review status: criteria provided, single submitter. Criteria: Invitae Variant Classification Sherloc (09022015). Collection method: clinical testing. Allele origin: germline.
Comment: This sequence change replaces valine, which is neutral and non-polar, with leucine, which is neutral and non-polar, at codon 245 of the PACS1 protein (p.Val245Leu). This variant is not present in population databases (gnomAD no frequency). This variant has not been reported in the literature in individuals affected with PACS1-related conditions. Advanced modeling of protein sequence and biophysical properties (such as structural, functional, and spatial information, amino acid conservation, physicochemical variation, residue mobility, and thermodynamic stability) performed at Invitae indicates that this missense variant is not expected to disrupt PACS1 protein function with a negative predictive value of 80%. In summary, the available evidence is currently insufficient to determine the role of this variant in disease. Therefore, it has been classified as a Variant of Uncertain Significance.

NM_018026.4(PACS1):c.733G>T (p.Val245Leu)

Gene: PACS1 (phosphofurin acidic cluster sorting protein 1; plus strand). Cytogenetic location: 11q13.2.
Variant type: single nucleotide variant.
Coding change: c.733G>T on transcript NM_018026.4 (MANE Select); coding-DNA position 733, G replaced by T.
Protein change: p.Val245Leu; replaces valine 245 with leucine.
Molecular consequence: missense variant.
Genome position (GRCh38, 1-based): chr11:66,216,191, G>T. VCF-style: chr11-66216191-G-T. GRCh37 (hg19) VCF-style: chr11-65983662-G-T.
Other names: short protein forms V245L.
Identifiers: ClinVar variation 2766084 (VCV002766084.3), dbSNP rs1468493499, ClinGen allele CA381347709.